The following is an entry in ClinVar:

NM_014491.4(FOXP2):c.*3683C>T

Gene: FOXP2 (forkhead box P2; plus strand). Cytogenetic location: 7q31.1.
Variant type: single nucleotide variant.
Coding change: c.*3683C>T on transcript NM_014491.4 (MANE Select); 3683 bases downstream of the stop codon, C replaced by T.
Molecular consequence: 3 prime UTR variant. On other transcripts: non-coding transcript variant (2).
Genome position (GRCh38, 1-based): chr7:114,693,609, C>T. VCF-style: chr7-114693609-C-T. GRCh37 (hg19) VCF-style: chr7-114333664-C-T.
Other names: c.*3683C>T (NM_001172766.3, NM_148898.4, NM_148900.4).
Identifiers: ClinVar variation 358673 (VCV000358673.6), dbSNP rs1058335, ClinGen allele CA4446523.
Genomic context (GRCh38, chr7:114,693,609, plus strand): 5'-GTTATTTCACTAGTTCAGGTTGCAACGAAAGGTTTTTTTGTCCATGAACACTTGGCATAT[C>T]TTACTTAGCAAAAAAGAAGGATGTACATTTTACTATAGAATTAATGTATGAACAGTGTGT-3'

ClinVar aggregate classification (germline): Benign. Review status: criteria provided, multiple submitters, no conflicts (2 of 4 stars). 2 submissions from 2 submitters: Benign (2). Last evaluated 2018-01-13.

Conditions:
Childhood apraxia of speech (SPCH1). Also called: DEVELOPMENTAL VERBAL DYSPRAXIA; Speech language disorder; FOXP2-Related Speech and Language Disorder; SPEECH AND LANGUAGE DISORDER WITH OROFACIAL DYSPRAXIA. Identifiers: Orphanet 209908, MedGen C0750927, MONDO:0011184, OMIM 602081.

Allele frequency attached by ClinVar (database versions not stated): gnomAD 0.16716 and 0.17285; TOPMed 0.16817; 1000 Genomes Project 30x 0.20503; 1000 Genomes Project 0.21266; gnomAD exomes 0.21374 and 0.22926; ExAC 0.21491.
gnomAD v4.1: 90,119 of 450,692 alleles (20%); highest among the groups gnomAD compares: East Asian, 40%; 10,138 homozygotes.

Submissions (2):

Illumina Laboratory Services, Illumina
Classification: Benign for Childhood apraxia of speech. Last evaluated: 2018-01-13. Review status: criteria provided, single submitter. Criteria: ICSL Variant Classification Criteria 13 December 2019. Collection method: clinical testing. Allele origin: germline.
Comment: This variant was observed in the ICSL laboratory as part of a predisposition screen in an ostensibly healthy population. It had not been previously curated by ICSL or reported in the Human Gene Mutation Database (HGMD: prior to June 1st, 2018), and was therefore a candidate for classification through an automated scoring system. Utilizing variant allele frequency, disease prevalence and penetrance estimates, and inheritance mode, an automated score was calculated to assess if this variant is too frequent to cause the disease. Based on the score and internal cut-off values, a variant classified as benign is not then subjected to further curation. The score for this variant resulted in a classification of benign for this disease.

Breakthrough Genomics
Classification: Benign. Review status: criteria provided, single submitter. Criteria: ACMG Guidelines, 2015. Collection method: not provided. Allele origin: germline. Inheritance: Autosomal dominant inheritance. Affected: yes.